The following is an entry in ClinVar:

ClinVar aggregate classification (germline): Uncertain significance (1 of 4 stars; one submission).

Conditions:
Familial thoracic aortic aneurysm and aortic dissection (TAAD). Also called: Thoracic aortic aneurysms and dissections. Identifiers: Orphanet 91387, MedGen C4707243, MONDO:0019625.

Submission:

Labcorp Genetics (formerly Invitae), Labcorp
Classification: Uncertain significance for Familial thoracic aortic aneurysm and aortic dissection. Last evaluated: 2022-04-20. Review status: criteria provided, single submitter. Criteria: Invitae Variant Classification Sherloc (09022015). Collection method: clinical testing. Allele origin: germline.
Comment: In summary, the available evidence is currently insufficient to determine the role of this variant in disease. Therefore, it has been classified as a Variant of Uncertain Significance. Advanced modeling of protein sequence and biophysical properties (such as structural, functional, and spatial information, amino acid conservation, physicochemical variation, residue mobility, and thermodynamic stability) performed at Invitae indicates that this missense variant is not expected to disrupt SMAD3 protein function. This variant has not been reported in the literature in individuals affected with SMAD3-related conditions. This variant is not present in population databases (gnomAD no frequency). This sequence change replaces isoleucine, which is neutral and non-polar, with phenylalanine, which is neutral and non-polar, at codon 55 of the SMAD3 protein (p.Ile55Phe).

NM_005902.4(SMAD3):c.163A>T (p.Ile55Phe)

Gene: SMAD3 (SMAD family member 3; plus strand). Cytogenetic location: 15q22.33.
Variant type: single nucleotide variant.
Coding change: c.163A>T on transcript NM_005902.4 (MANE Select); coding-DNA position 163, A replaced by T.
Protein change: p.Ile55Phe; replaces isoleucine 55 with phenylalanine.
Molecular consequence: missense variant.
Genome position (GRCh38, 1-based): chr15:67,066,317, A>T. VCF-style: chr15-67066317-A-T. GRCh37 (hg19) VCF-style: chr15-67358655-A-T.
Other names: c.163A>T, p.Ile55Phe (NM_001407011.1, NM_001407012.1, NM_001407013.1); short protein forms I55F.
Identifiers: ClinVar variation 2128346 (VCV002128346.4), dbSNP rs2140189090, ClinGen allele CA393203032.